The following is an entry in ClinVar:

NM_000355.4(TCN2):c.70C>A (p.Pro24Thr)

Gene: TCN2 (transcobalamin 2; plus strand). Cytogenetic location: 22q12.2.
Variant type: single nucleotide variant.
Coding change: c.70C>A on transcript NM_000355.4 (MANE Select); coding-DNA position 70, C replaced by A.
Protein change: p.Pro24Thr; replaces proline 24 with threonine.
Molecular consequence: missense variant.
Genome position (GRCh38, 1-based): chr22:30,610,876, C>A. VCF-style: chr22-30610876-C-A. GRCh37 (hg19) VCF-style: chr22-31006863-C-A.
Other names: c.70C>A, p.Pro24Thr (NM_001184726.2); short protein forms P24T.
Identifiers: ClinVar variation 656615 (VCV000656615.8), dbSNP rs755866662, ClinGen allele CA10184487.

ClinVar aggregate classification (germline): Uncertain significance (1 of 4 stars; one submission).

Conditions:
Transcobalamin II deficiency (TCN2D). Also called: Transcolabamin II deficiency; TC II DEFICIENCY; TCN2 DEFICIENCY. Identifiers: Orphanet 859, MedGen C0342701, MONDO:0010149, OMIM 275350.

Allele frequency attached by ClinVar (database versions not stated): TOPMed 0.00002.
gnomAD v4.1: 36 of 1,614,000 alleles (0.0022%); highest among the groups gnomAD compares: Non-Finnish European, 0.0028%; no homozygotes.

Submission:

Labcorp Genetics (formerly Invitae), Labcorp
Classification: Uncertain significance for Transcobalamin II deficiency. Last evaluated: 2022-09-12. Review status: criteria provided, single submitter. Criteria: Invitae Variant Classification Sherloc (09022015). Collection method: clinical testing. Allele origin: germline.
Comment: This sequence change replaces proline, which is neutral and non-polar, with threonine, which is neutral and polar, at codon 24 of the TCN2 protein (p.Pro24Thr). This variant is present in population databases (rs755866662, gnomAD 0.003%). This variant has not been reported in the literature in individuals affected with TCN2-related conditions. ClinVar contains an entry for this variant (Variation ID: 656615). Algorithms developed to predict the effect of missense changes on protein structure and function output the following: SIFT: "Tolerated"; PolyPhen-2: "Benign"; Align-GVGD: "Class C0". The threonine amino acid residue is found in multiple mammalian species, which suggests that this missense change does not adversely affect protein function. In summary, the available evidence is currently insufficient to determine the role of this variant in disease. Therefore, it has been classified as a Variant of Uncertain Significance.